The following is an entry in ClinVar:

NM_014844.5(TECPR2):c.3064C>T (p.His1022Tyr)

Gene: TECPR2 (tectonin beta-propeller repeat containing 2; plus strand). Cytogenetic location: 14q32.31.
Variant type: single nucleotide variant.
Coding change: c.3064C>T on transcript NM_014844.5 (MANE Select); coding-DNA position 3064, C replaced by T.
Protein change: p.His1022Tyr; replaces histidine 1022 with tyrosine.
Molecular consequence: missense variant.
Genome position (GRCh38, 1-based): chr14:102,445,936, C>T. VCF-style: chr14-102445936-C-T. GRCh37 (hg19) VCF-style: chr14-102912273-C-T.
Other names: c.3064C>T, p.His1022Tyr (NM_001172631.3); short protein forms H1022Y.
Identifiers: ClinVar variation 4537478 (VCV004537478.1).

ClinVar aggregate classification (germline): Uncertain significance (1 of 4 stars; one submission).

Conditions:
Hereditary spastic paraplegia 49 (HSAN9). Also called: TECPR2-Related Hereditary Sensory and Autonomic Neuropathy with Intellectual Disability; NEUROPATHY, HEREDITARY SENSORY AND AUTONOMIC, TYPE IX, WITH DEVELOPMENTAL DELAY; Spastic paraplegia 49, autosomal recessive. Identifiers: Orphanet 320385, MedGen C5190860, MONDO:0014016, OMIM 615031.

Submission:

Genetic Foundation of Khorasan Razavi (GFKR)
Classification: Uncertain significance for Hereditary spastic paraplegia 49. Review status: criteria provided, single submitter. Criteria: ACMG Guidelines, 2015. Collection method: clinical testing. Allele origin: inherited. Affected: yes. Observed: 1 homozygote.
Comment: The variant is absent in population databases